The following is an entry in ClinVar:

ClinVar aggregate classification (germline): Uncertain significance. Review status: criteria provided, multiple submitters, no conflicts (2 of 4 stars). 2 submissions from 2 submitters: Uncertain significance (2). Last evaluated 2024-03-22.

Conditions:
Joubert syndrome. Also called: CEREBELLOPARENCHYMAL DISORDER IV; JOUBERT-BOLTSHAUSER SYNDROME; Familial aplasia of the vermis. Identifiers: Orphanet 475, MedGen C5979921, MONDO:0018772.
Orofaciodigital syndrome I (OFD1). Also called: OFDS I; Papillon-Leage and Psaume Syndrome; Oral-Facial-Digital Syndrome Type I. Identifiers: Orphanet 2750, MedGen C1510460, MONDO:0010702, OMIM 311200.
Simpson-Golabi-Behmel syndrome type 2. Identifiers: Orphanet 79022, MedGen C1846175, MONDO:0010265, OMIM 300209.
Joubert syndrome 10 (JBTS10). Identifiers: Orphanet 2754, MedGen C2749019, MONDO:0010431, OMIM 300804.
Retinitis pigmentosa 23 (RP23). Identifiers: Orphanet 791, MedGen C1419610, MONDO:0010320, OMIM 300424.

Allele frequency attached by ClinVar (database versions not stated): gnomAD exomes below 0.00001; TOPMed 0.00001.

Submissions (2):

Fulgent Genetics
Classification: Uncertain significance for Simpson-Golabi-Behmel syndrome type 2; Retinitis pigmentosa 23; Joubert syndrome 10; Orofaciodigital syndrome I. Last evaluated: 2024-03-22. Review status: criteria provided, single submitter. Criteria: ACMG Guidelines, 2015. Collection method: clinical testing. Allele origin: germline.

Labcorp Genetics (formerly Invitae), Labcorp
Classification: Uncertain significance for Orofaciodigital syndrome I; Joubert syndrome. Last evaluated: 2022-10-13. Review status: criteria provided, single submitter. Criteria: Invitae Variant Classification Sherloc (09022015). Collection method: clinical testing. Allele origin: germline.
Comment: In summary, the available evidence is currently insufficient to determine the role of this variant in disease. Therefore, it has been classified as a Variant of Uncertain Significance. Advanced modeling of protein sequence and biophysical properties (such as structural, functional, and spatial information, amino acid conservation, physicochemical variation, residue mobility, and thermodynamic stability) performed at Invitae indicates that this missense variant is not expected to disrupt OFD1 protein function. This variant has not been reported in the literature in individuals affected with OFD1-related conditions. This variant is present in population databases (rs752446194, gnomAD 0.004%). This sequence change replaces threonine, which is neutral and polar, with arginine, which is basic and polar, at codon 421 of the OFD1 protein (p.Thr421Arg).

NM_003611.3(OFD1):c.1262C>G (p.Thr421Arg)

Gene: OFD1 (OFD1 centriole and centriolar satellite protein; plus strand). Cytogenetic location: Xp22.2.
Variant type: single nucleotide variant.
Coding change: c.1262C>G on transcript NM_003611.3 (MANE Select); coding-DNA position 1262, C replaced by G.
Protein change: p.Thr421Arg; replaces threonine 421 with arginine.
Molecular consequence: missense variant.
Genome position (GRCh38, 1-based): chrX:13,756,618, C>G. VCF-style: chrX-13756618-C-G. GRCh37 (hg19) VCF-style: chrX-13774737-C-G.
Other names: c.1142C>G, p.Thr381Arg (NM_001330209.2); c.842C>G, p.Thr281Arg (NM_001330210.2); short protein forms T281R, T381R, T421R.
Identifiers: ClinVar variation 2415425 (VCV002415425.9), dbSNP rs752446194, ClinGen allele CA326118921.